The following is an entry in ClinVar:

NM_145059.3(FCSK):c.2333G>C (p.Arg778Pro)

Gene: FCSK (fucose kinase; plus strand). Cytogenetic location: 16q22.1.
Variant type: single nucleotide variant.
Coding change: c.2333G>C on transcript NM_145059.3 (MANE Select); coding-DNA position 2333, G replaced by C.
Protein change: p.Arg778Pro; replaces arginine 778 with proline.
Molecular consequence: missense variant.
Genome position (GRCh38, 1-based): chr16:70,474,967, G>C. VCF-style: chr16-70474967-G-C. GRCh37 (hg19) VCF-style: chr16-70508870-G-C.
Other names: short protein forms R778P.
Identifiers: ClinVar variation 2975072 (VCV002975072.3), dbSNP rs766961706, ClinGen allele CA8143559.
Genomic context (GRCh38, chr16:70,474,967, plus strand): 5'-CTGAGCTGTGGCTGGCGGTGGGGCCTCGGCAGGATGAGATGACTGTGAAGATAGTGTGCC[G>C]GTGCCTGGCTGACCTGCGGGACTACTGCCAGCCTCATGCCCCAGGTCAGGCACCCTGGGA-3'
Protein context (NP_659496.2, residues 768-788): QDEMTVKIVC[Arg778Pro]CLADLRDYCQ

ClinVar aggregate classification (germline): Uncertain significance (1 of 4 stars; one submission).

Allele frequency attached by ClinVar (database versions not stated): gnomAD 0.00001; TOPMed 0.00002.
gnomAD v4.1: 19 of 1,610,402 alleles (0.0012%); highest among the groups gnomAD compares: Non-Finnish European, 0.0016%; no homozygotes.

Submission:

Labcorp Genetics (formerly Invitae), Labcorp
Classification: Uncertain significance. Last evaluated: 2024-03-11. Review status: criteria provided, single submitter. Criteria: Invitae Variant Classification Sherloc (09022015). Collection method: clinical testing. Allele origin: germline.
Comment: This sequence change replaces arginine, which is basic and polar, with proline, which is neutral and non-polar, at codon 778 of the FUK protein (p.Arg778Pro). The frequency data for this variant in the population databases is considered unreliable, as metrics indicate poor data quality at this position in the gnomAD database. This variant has not been reported in the literature in individuals affected with FUK-related conditions. An algorithm developed to predict the effect of missense changes on protein structure and function (PolyPhen-2) suggests that this variant is likely to be tolerated. In summary, the available evidence is currently insufficient to determine the role of this variant in disease. Therefore, it has been classified as a Variant of Uncertain Significance.